The following is an entry in ClinVar:

NM_020207.7(ERCC6L2):c.1073A>G (p.Gln358Arg)

Gene: ERCC6L2 (ERCC excision repair 6 like 2; plus strand). Cytogenetic location: 9q22.32.
Variant type: single nucleotide variant.
Coding change: c.1073A>G on transcript NM_020207.7 (MANE Select); coding-DNA position 1073, A replaced by G.
Protein change: p.Gln358Arg; replaces glutamine 358 with arginine.
Molecular consequence: missense variant. On other transcripts: non-coding transcript variant (1).
Genome position (GRCh38, 1-based): chr9:95,916,349, A>G. VCF-style: chr9-95916349-A-G. GRCh37 (hg19) VCF-style: chr9-98678631-A-G.
Other names: c.1073A>G, p.Gln358Arg (NM_001010895.4, NM_001375291.1, NM_001375292.1 and 2 more transcripts); short protein forms Q358R.
Identifiers: ClinVar variation 4618769 (VCV004618769.1).

ClinVar aggregate classification (germline): Uncertain significance (1 of 4 stars; one submission).

Conditions:
Inborn genetic diseases. Identifiers: MedGen C0950123, MeSH D030342.

gnomAD v4.1: 3 of 1,612,414 alleles (0.00019%); highest among the groups gnomAD compares: Middle Eastern, 0.017%; no homozygotes.

Submission:

Ambry Genetics
Classification: Uncertain significance for Inborn genetic diseases. Last evaluated: 2025-11-26. Review status: criteria provided, single submitter. Criteria: Ambry Variant Classification Scheme 2023. Collection method: clinical testing. Allele origin: germline.
Comment: The p.Q358R variant (also known as c.1073A>G), located in coding exon 6 of the ERCC6L2 gene, results from an A to G substitution at nucleotide position 1073. The glutamine at codon 358 is replaced by arginine, an amino acid with highly similar properties. This amino acid position is conserved. In addition, this alteration is predicted to be tolerated by in silico analysis. Based on the available evidence, the clinical significance of this variant remains unclear.